The following is an entry in ClinVar:

NM_000256.3(MYBPC3):c.1023C>T (p.Gly341=)

Gene: MYBPC3 (myosin binding protein C3; minus strand). Cytogenetic location: 11p11.2.
Variant type: single nucleotide variant.
Coding change: c.1023C>T on transcript NM_000256.3 (MANE Select); coding-DNA position 1023, C replaced by T.
Protein change: p.Gly341=; no amino-acid change (glycine 341 retained).
Molecular consequence: synonymous variant.
Genome position (GRCh38, 1-based): chr11:47,346,274, G>A on the plus strand (C>T on the coding strand, the complement: MYBPC3 is on the minus strand). VCF-style: chr11-47346274-G-A. GRCh37 (hg19) VCF-style: chr11-47367825-G-A.
Identifiers: ClinVar variation 921475 (VCV000921475.19), dbSNP rs754469813, ClinGen allele CA042054.

ClinVar aggregate classification (germline): Likely benign. Review status: criteria provided, multiple submitters, no conflicts (2 of 4 stars). 6 submissions from 6 submitters: Likely benign (6). Last evaluated 2025-10-01.

Conditions:
Hypertrophic cardiomyopathy. Also called: HYPERTROPHIC MYOCARDIOPATHY. Identifiers: Orphanet 217569, MedGen C0007194, MeSH D002312, MONDO:0005045, HP:0001639.
Cardiomyopathy (CMYO). Also called: Cardiomyopathies. Identifiers: Orphanet 167848, MedGen C0878544, MONDO:0004994, HP:0001638. Inheritance: Various modes of inheritance.
Cardiovascular phenotype. Identifiers: MedGen CN230736.

Allele frequency attached by ClinVar (database versions not stated): ExAC 0.00001; gnomAD 0.00001; gnomAD exomes 0.00001; TOPMed 0.00001.

Submissions (6):

CeGaT Center for Human Genetics Tuebingen
Classification: Likely benign. Last evaluated: 2025-10-01. Review status: criteria provided, single submitter. Criteria: CeGaT Center For Human Genetics Tuebingen Variant Classification Criteria Version 2. Collection method: clinical testing. Allele origin: germline. Affected: yes. Observed: 1 variant allele.
Comment: MYBPC3: BP4, BP7

Ambry Genetics
Classification: Likely benign for Cardiovascular phenotype. Last evaluated: 2025-06-28. Review status: criteria provided, single submitter. Criteria: Ambry Variant Classification Scheme 2023. Collection method: clinical testing. Allele origin: germline.

Labcorp Genetics (formerly Invitae), Labcorp
Classification: Likely benign for Hypertrophic cardiomyopathy. Last evaluated: 2024-11-12. Review status: criteria provided, single submitter. Criteria: Invitae Variant Classification Sherloc (09022015). Collection method: clinical testing. Allele origin: germline.

All of Us Research Program, National Institutes of Health
Classification: Likely benign for Hypertrophic cardiomyopathy. Last evaluated: 2023-05-31. Review status: criteria provided, single submitter. Criteria: ACMG Guidelines, 2015. Collection method: clinical testing. Allele origin: germline. Inheritance: Autosomal dominant inheritance. Observed: 1 variant allele, 1 heterozygote.
Comment: This study involves interpretation of variants in research participants for the purpose of population health screening. Participant phenotype was not available at the time of variant classification. Additional details can be found in publication PMID: 35346344, PMCID: PMC8962531

Blueprint Genetics
Classification: Likely benign. Last evaluated: 2023-03-21. Review status: criteria provided, single submitter. Criteria: ACMG Guidelines, 2015. Collection method: clinical testing. Allele origin: germline.

Color Diagnostics, LLC DBA Color Health
Classification: Likely benign for Cardiomyopathy. Last evaluated: 2019-02-16. Review status: criteria provided, single submitter. Criteria: ACMG Guidelines, 2015. Collection method: clinical testing. Allele origin: germline.